The following is an entry in ClinVar:

NM_001378183.1(PIEZO2):c.8034C>T (p.Ile2678=)

Gene: PIEZO2 (piezo type mechanosensitive ion channel component 2; minus strand). Cytogenetic location: 18p11.22.
Variant type: single nucleotide variant.
Coding change: c.8034C>T on transcript NM_001378183.1 (MANE Select); coding-DNA position 8034, C replaced by T.
Protein change: p.Ile2678=; no amino-acid change (isoleucine 2678 retained).
Molecular consequence: synonymous variant.
Genome position (GRCh38, 1-based): chr18:10,677,794, G>A on the plus strand (C>T on the coding strand, the complement: PIEZO2 is on the minus strand). VCF-style: chr18-10677794-G-A. GRCh37 (hg19) VCF-style: chr18-10677791-G-A.
Other names: c.7770C>T, p.Ile2590= (NM_001410871.1); c.7695C>T, p.Ile2565= (NM_022068.4).
Identifiers: ClinVar variation 2648582 (VCV002648582.25), dbSNP rs376582837, ClinGen allele CA8891843.

ClinVar aggregate classification (germline): Likely benign. Review status: criteria provided, multiple submitters, no conflicts (2 of 4 stars). 2 submissions from 2 submitters: Likely benign (2). Last evaluated 2025-08-01.

Allele frequency attached by ClinVar (database versions not stated): gnomAD 0.00002; TOPMed 0.00002; gnomAD exomes 0.00010; ExAC 0.00017.
gnomAD v4.1: 144 of 1,610,508 alleles (0.0089%); highest among the groups gnomAD compares: South Asian, 0.11%; no homozygotes.

Submissions (2):

CeGaT Center for Human Genetics Tuebingen
Classification: Likely benign. Last evaluated: 2025-08-01. Review status: criteria provided, single submitter. Criteria: CeGaT Center For Human Genetics Tuebingen Variant Classification Criteria Version 2. Collection method: clinical testing. Allele origin: germline. Affected: yes. Observed: 4 variant alleles.
Comment: PIEZO2: BP4, BP7

Blueprint Genetics
Classification: Likely benign. Last evaluated: 2024-09-20. Review status: criteria provided, single submitter. Criteria: ACMG Guidelines, 2015. Collection method: clinical testing. Allele origin: germline.